The following is an entry in ClinVar:

NM_001136191.3(KANK2):c.2152G>A (p.Asp718Asn)

Gene: KANK2 (KN motif and ankyrin repeat domains 2; minus strand). Cytogenetic location: 19p13.2.
Variant type: single nucleotide variant.
Coding change: c.2152G>A on transcript NM_001136191.3 (MANE Select); coding-DNA position 2152, G replaced by A.
Protein change: p.Asp718Asn; replaces aspartic acid 718 with asparagine.
Molecular consequence: missense variant.
Genome position (GRCh38, 1-based): chr19:11,173,040, C>T on the plus strand (G>A on the coding strand, the complement: KANK2 is on the minus strand). VCF-style: chr19-11173040-C-T. GRCh37 (hg19) VCF-style: chr19-11283716-C-T.
Other names: c.2152G>A, p.Asp718Asn (NM_001329451.2, NM_001379555.1, NM_001379556.1 and 7 more transcripts); c.2176G>A, p.Asp726Asn (NM_001379548.1, NM_001379549.1, NM_001379550.1 and 5 more transcripts); short protein forms D726N, D718N.
Identifiers: ClinVar variation 2150260 (VCV002150260.4), dbSNP rs752050429, ClinGen allele CA9205358.
Genomic context (GRCh38, chr19:11,173,040, plus strand): 5'-CCTGGCTGGCTTTGGCATTGATGTTGCCAAGCCGGAAGAGCTGAAGGACAGTCTCGATGT[C>T]GTCCTGGGTCTTCAGGGTGGCCAGGGCGGTGAGCATAATAGGGCTGTAGCCAGCACGGTT-3'
Protein context (NP_001129663.1, residues 708-728): TALATLKTQD[Asp718Asn]IETVLQLFRL

ClinVar aggregate classification (germline): Uncertain significance (1 of 4 stars; one submission).

Allele frequency attached by ClinVar (database versions not stated): gnomAD 0.00002; TOPMed 0.00002.
gnomAD v4.1: 67 of 1,613,960 alleles (0.0042%); highest among the groups gnomAD compares: Admixed American, 0.0067%; no homozygotes.

Submission:

Labcorp Genetics (formerly Invitae), Labcorp
Classification: Uncertain significance. Last evaluated: 2025-06-04. Review status: criteria provided, single submitter. Criteria: Invitae Variant Classification Sherloc (09022015). Collection method: clinical testing. Allele origin: germline.
Comment: This sequence change replaces aspartic acid, which is acidic and polar, with asparagine, which is neutral and polar, at codon 718 of the KANK2 protein (p.Asp718Asn). This variant is present in population databases (rs752050429, gnomAD 0.006%). This variant has not been reported in the literature in individuals affected with KANK2-related conditions. ClinVar contains an entry for this variant (Variation ID: 2150260). An algorithm developed to predict the effect of missense changes on protein structure and function (PolyPhen-2) suggests that this variant is likely to be disruptive. In summary, the available evidence is currently insufficient to determine the role of this variant in disease. Therefore, it has been classified as a Variant of Uncertain Significance.